The following is an entry in ClinVar:

NM_001005388.3(NFASC):c.495G>A (p.Pro165=)

Gene: NFASC (neurofascin; plus strand). Cytogenetic location: 1q32.1.
Variant type: single nucleotide variant.
Coding change: c.495G>A on transcript NM_001005388.3 (MANE Select); coding-DNA position 495, G replaced by A.
Protein change: p.Pro165=; no amino-acid change (proline 165 retained).
Molecular consequence: synonymous variant. On other transcripts: non-coding transcript variant (1).
Genome position (GRCh38, 1-based): chr1:204,954,911, G>A. VCF-style: chr1-204954911-G-A. GRCh37 (hg19) VCF-style: chr1-204924039-G-A.
Other names: c.495G>A, p.Pro165= (NM_001005389.2, NM_001378329.1); c.477G>A, p.Pro159= (NM_001160331.2, NM_001160332.2, NM_001160333.2 and 4 more transcripts); c.495G>A (NM_001005388.2).
Identifiers: ClinVar variation 719373 (VCV000719373.7), dbSNP rs77635708, ClinGen allele CA1349605.
Genomic context (GRCh38, chr1:204,954,911, plus strand): 5'-AAACCTAGACCCTGTCGTGGTCCAAGAGGGCGCTCCTTTGACGCTCCAGTGCAACCCCCC[G>A]CCTGGACTTCCATCCCCGGTCATCTTCTGGATGAGCAGCTGTGAGTCTTGGGGGCCTGGT-3'
Protein context (NP_001005388.2, residues 155-175): GAPLTLQCNP[Pro165=]PGLPSPVIFW

ClinVar aggregate classification (germline): Benign/Likely benign. Review status: criteria provided, multiple submitters, no conflicts (2 of 4 stars). 4 submissions from 4 submitters: Benign (2); Likely benign (1). 1 of the submissions does not count toward it. Last evaluated 2024-09-18.

Conditions:
NFASC-related disorder. Also called: NFASC-related condition.

Allele frequency attached by ClinVar (database versions not stated): ExAC 0.00105; 1000 Genomes Project 0.00300; 1000 Genomes Project 30x 0.00328; gnomAD 0.00328 and 0.00365; TOPMed 0.00363; ESP Exome Variant Server 0.00484.
gnomAD v4.1: 1,003 of 1,614,020 alleles (0.062%); highest among the groups gnomAD compares: African/African-American, 1.2%; 4 homozygotes.

Submissions (4):

Blueprint Genetics
Classification: Likely benign. Last evaluated: 2024-09-18. Review status: criteria provided, single submitter. Criteria: ACMG Guidelines, 2015. Collection method: clinical testing. Allele origin: germline.

Labcorp Genetics (formerly Invitae), Labcorp
Classification: Benign. Last evaluated: 2018-04-26. Review status: criteria provided, single submitter. Criteria: Invitae Variant Classification Sherloc (09022015). Collection method: clinical testing. Allele origin: germline.

Breakthrough Genomics
Classification: Benign. Review status: criteria provided, single submitter. Criteria: ACMG Guidelines, 2015. Collection method: not provided. Allele origin: germline. Inheritance: Autosomal recessive inheritance. Affected: yes.

PreventionGenetics, part of Exact Sciences
Classification: Benign for NFASC-related condition. Last evaluated: 2019-05-01. Review status: no assertion criteria provided. Collection method: clinical testing. Allele origin: germline. Not counted in ClinVar's aggregate classification.
Comment: This variant is classified as benign based on ACMG/AMP sequence variant interpretation guidelines (Richards et al. 2015 PMID: 25741868, with internal and published modifications).